The following is an entry in ClinVar:

ClinVar aggregate classification (germline): Uncertain significance (1 of 4 stars; one submission).

Conditions:
Cardiovascular phenotype. Identifiers: MedGen CN230736.

gnomAD v4.1: 1 of 1,613,866 alleles (0.000062%); highest among the groups gnomAD compares: Non-Finnish European, 0.000085%; no homozygotes.

Submission:

Ambry Genetics
Classification: Uncertain significance for Cardiovascular phenotype. Last evaluated: 2024-06-09. Review status: criteria provided, single submitter. Criteria: Ambry Variant Classification Scheme 2023. Collection method: clinical testing. Allele origin: germline.
Comment: The p.G446V variant (also known as c.1337G>T), located in coding exon 5 of the ALPK3 gene, results from a G to T substitution at nucleotide position 1337. The glycine at codon 446 is replaced by valine, an amino acid with dissimilar properties. This amino acid position is conserved. In addition, this alteration is predicted to be tolerated by in silico analysis. Based on the available evidence, the clinical significance of this variant remains unclear.

NM_020778.5(ALPK3):c.731G>T (p.Gly244Val)

Gene: ALPK3 (alpha kinase 3; plus strand). Cytogenetic location: 15q25.3.
Variant type: single nucleotide variant.
Coding change: c.731G>T on transcript NM_020778.5 (MANE Select); coding-DNA position 731, G replaced by T.
Protein change: p.Gly244Val; replaces glycine 244 with valine.
Molecular consequence: missense variant.
Genome position (GRCh38, 1-based): chr15:84,840,010, G>T. VCF-style: chr15-84840010-G-T. GRCh37 (hg19) VCF-style: chr15-85383241-G-T.
Other names: short protein forms G244V.
Identifiers: ClinVar variation 3291775 (VCV003291775.1).